The following is an entry in ClinVar:

NM_000059.4(BRCA2):c.9692C>A (p.Ser3231Ter)

Gene: BRCA2 (BRCA2 DNA repair associated; plus strand). Cytogenetic location: 13q13.1.
Variant type: single nucleotide variant.
Coding change: c.9692C>A on transcript NM_000059.4 (MANE Select); coding-DNA position 9692, C replaced by A.
Protein change: p.Ser3231Ter; replaces serine 3231 with a stop codon.
Molecular consequence: nonsense.
Genome position (GRCh38, 1-based): chr13:32,398,205, C>A. VCF-style: chr13-32398205-C-A. GRCh37 (hg19) VCF-style: chr13-32972342-C-A.
Other names: short protein forms S3231*.
Identifiers: ClinVar variation 823404 (VCV000823404.24), dbSNP rs1593201677, ClinGen allele CA387765313.
Genomic context (GRCh38, chr13:32,398,205, plus strand): 5'-TTTCATTTTTTTATCAGATGTCTTCTCCTAATTGTGAGATATATTATCAAAGTCCTTTAT[C>A]ACTTTGTATGGCCAAAAGGAAGTCTGTTTCCACACCTGTCTCAGCCCAGATGACTTCAAA-3'

ClinVar aggregate classification (germline): Pathogenic. Review status: criteria provided, multiple submitters, no conflicts (2 of 4 stars). 3 submissions from 3 submitters: Pathogenic (2). 1 of the submissions does not count toward it. Last evaluated 2022-03-13.

Conditions:
Hereditary cancer-predisposing syndrome. Also called: Hereditary Cancer Syndrome; Neoplastic Syndromes, Hereditary; Hereditary neoplastic syndrome; Tumor predisposition. Identifiers: Orphanet 140162, MedGen C0027672, MeSH D009386, MONDO:0015356.
Hereditary breast ovarian cancer syndrome. Also called: Hereditary breast and ovarian cancer syndrome (HBOC); Hereditary breast and ovarian cancer syndrome; Breast and ovarian cancer; Hereditary breast and/or ovarian cancer syndrome; BRCA1- and BRCA2-Associated Hereditary Breast and Ovarian Cancer; Hereditary breast and ovarian cancer. Identifiers: Orphanet 145, MedGen C0677776, MeSH D061325, MONDO:0003582. Disease mechanism: loss of function.
Breast-ovarian cancer, familial, susceptibility to, 2 (BROVCA2). Also called: BRCA2 Hereditary Breast and Ovarian Cancer. Identifiers: Orphanet 145, MedGen C2675520, MONDO:0012933, OMIM 612555. Disease mechanism: loss of function.

Submissions (3):

Labcorp Genetics (formerly Invitae), Labcorp
Classification: Pathogenic for Hereditary breast ovarian cancer syndrome. Last evaluated: 2022-03-13. Review status: criteria provided, single submitter. Criteria: Invitae Variant Classification Sherloc (09022015). Collection method: clinical testing. Allele origin: germline.
Comment: This variant disrupts a region of the BRCA2 protein in which other variant(s) (p.Tyr3308*) have been determined to be pathogenic (PMID: 17026620, 18593900, 18607349, 22711857). This suggests that this is a clinically significant region of the protein, and that variants that disrupt it are likely to be disease-causing. For these reasons, this variant has been classified as Pathogenic. ClinVar contains an entry for this variant (Variation ID: 823404). This variant has not been reported in the literature in individuals affected with BRCA2-related conditions. This variant is not present in population databases (gnomAD no frequency). This sequence change creates a premature translational stop signal (p.Ser3231*) in the BRCA2 gene. While this is not anticipated to result in nonsense mediated decay, it is expected to disrupt the last 188 amino acid(s) of the BRCA2 protein.

Ambry Genetics
Classification: Pathogenic for Hereditary cancer-predisposing syndrome. Last evaluated: 2018-03-29. Review status: criteria provided, single submitter. Criteria: Ambry Variant Classification Scheme 2023. Collection method: clinical testing. Allele origin: germline.
Comment: The p.S3231* pathogenic mutation (also known as c.9692C>A), located in coding exon 26 of the BRCA2 gene, results from a C to A substitution at nucleotide position 9692. This changes the amino acid from a serine to a stop codon within coding exon 26. This alteration is expected to result in loss of function by premature protein truncation. As such, this alteration is interpreted as a disease-causing mutation.

deCODE genetics, Amgen
Classification: Likely pathogenic for Breast-ovarian cancer, familial, susceptibility to, 2. Last evaluated: 2023-07-21. Review status: no assertion criteria provided. Collection method: research. Allele origin: germline. Affected: yes. Observed: 1 variant allele. Not counted in ClinVar's aggregate classification.
Comment: The variant NM_000059.4:c.9692C>A (chr13:32398205) in BRCA2 was detected in 1 heterozygote out of 58K WGS Icelanders (MAF= 0,001%). This variant has been reported in ClinVar previously as pathogenic. Based on ACMG criteria (PVS1, PM2) this variant classifies as likely pathogenic.

Literature cited by the submitters: PubMed 17026620 (cited by Labcorp Genetics (formerly Invitae), Labcorp); PubMed 18593900 (cited by Labcorp Genetics (formerly Invitae), Labcorp); PubMed 18607349 (cited by Labcorp Genetics (formerly Invitae), Labcorp); PubMed 22711857 (cited by Labcorp Genetics (formerly Invitae), Labcorp).